The following is an entry in ClinVar:

NM_000535.7(PMS2):c.804-659C>T

Gene: PMS2 (PMS1 homolog 2, mismatch repair system component; minus strand). Cytogenetic location: 7p22.1.
Variant type: single nucleotide variant.
Coding change: c.804-659C>T on transcript NM_000535.7 (MANE Select); 659 bases into the intron before coding-DNA position 804, C replaced by T.
Molecular consequence: intron variant.
Genome position (GRCh38, 1-based): chr7:5,996,292, G>A on the plus strand (C>T on the coding strand, the complement: PMS2 is on the minus strand). VCF-style: chr7-5996292-G-A. GRCh37 (hg19) VCF-style: chr7-6035923-G-A.
Other names: c.486-659C>T (NM_001322008.2, NM_001406902.1, NM_001406883.1 and 4 more transcripts); c.495-659C>T (NM_001406881.1, NM_001406879.1, NM_001322015.2 and 6 more transcripts); c.399-659C>T (NM_001406895.1, NM_001322010.2, NM_001322004.2 and 19 more transcripts); c.133-4235C>T (NM_001406911.1); c.291-659C>T (NM_001406904.1, NM_001406905.1); c.231-659C>T (NM_001322013.2, NM_001406909.1); c.-130-659C>T (NM_001322012.2, NM_001322011.2); c.468-659C>T (NM_001406885.1); and 8 more.
Identifiers: ClinVar variation 3232037 (VCV003232037.1), dbSNP rs2536176221, ClinGen allele CA2825001536.
Genomic context (GRCh38, chr7:5,996,292, plus strand): 5'-AAGGCAACAAACAAACAAACAAAAAGAAATACAGATCTTAGGCTGGGTGTGGTGGCTCAT[G>A]CCTGTAATTCCAGAGCCTTGAGAGGCCAAGGTGGGTGGATCACCTGAGGTCAGGAGTTCA-3'

ClinVar aggregate classification (germline): Uncertain significance (1 of 4 stars; one submission).

Conditions:
Hereditary cancer-predisposing syndrome. Also called: Neoplastic Syndromes, Hereditary; Tumor predisposition; Hereditary neoplastic syndrome; Hereditary Cancer Syndrome. Identifiers: Orphanet 140162, MedGen C0027672, MeSH D009386, MONDO:0015356.

Submission:

Ambry Genetics
Classification: Uncertain significance for Hereditary cancer-predisposing syndrome. Last evaluated: 2023-09-25. Review status: criteria provided, single submitter. Criteria: Ambry Variant Classification Scheme 2023. Collection method: clinical testing. Allele origin: germline.
Comment: The c.804-659C>T intronic variant results from a C to T substitution 659 nucleotides upstream from coding exon 8 in the PMS2 gene. This nucleotide position is well conserved on limited sequence alignment. In silico splice site analysis predicts that this alteration will result in the creation or strengthening of a novel splice donor site; however, direct evidence is insufficient at this time (Ambry internal data). Since supporting evidence is limited at this time, the clinical significance of this alteration remains unclear.